The following is an entry in ClinVar:

NM_012463.4(ATP6V0A2):c.1848C>T (p.Thr616=)

Genes: ATP6V0A2 (ATPase H+ transporting V0 subunit a2; plus strand), LOC126861666 (CDK7 strongly-dependent group 2 enhancer GRCh37_chr12:124232793-124233992; plus strand). Cytogenetic location: 12q24.31.
Variant type: single nucleotide variant.
Coding change: c.1848C>T on transcript NM_012463.4 (MANE Select); coding-DNA position 1848, C replaced by T.
Protein change: p.Thr616=; no amino-acid change (threonine 616 retained).
Molecular consequence: synonymous variant.
Genome position (GRCh38, 1-based): chr12:123,748,698, C>T. VCF-style: chr12-123748698-C-T. GRCh37 (hg19) VCF-style: chr12-124233245-C-T.
Identifiers: ClinVar variation 725548 (VCV000725548.9), dbSNP rs776365183, ClinGen allele CA482271237.

ClinVar aggregate classification (germline): Likely benign. Review status: criteria provided, multiple submitters, no conflicts (2 of 4 stars). 2 submissions from 2 submitters: Likely benign (2). Last evaluated 2026-07-01.

Conditions:
ALG9 congenital disorder of glycosylation (CDG1L). Also called: CDG Il; ALG9-CDG; CONGENITAL DISORDER OF GLYCOSYLATION, TYPE Il. Identifiers: Orphanet 79328, MedGen C2931006, MONDO:0012117, OMIM 608776.

Allele frequency attached by ClinVar (database versions not stated): TOPMed 0.00001.
gnomAD v4.1: 9 of 1,614,032 alleles (0.00056%); highest among the groups gnomAD compares: Non-Finnish European, 0.00076%; no homozygotes.

Submissions (2):

CeGaT Center for Human Genetics Tuebingen
Classification: Likely benign. Last evaluated: 2026-07-01. Review status: criteria provided, single submitter. Criteria: CeGaT Center For Human Genetics Tuebingen Variant Classification Criteria Version 2. Collection method: clinical testing. Allele origin: germline. Affected: yes. Observed: 1 variant allele.
Comment: ATP6V0A2: BP4, BP7

Labcorp Genetics (formerly Invitae), Labcorp
Classification: Likely benign for ALG9 congenital disorder of glycosylation. Last evaluated: 2022-05-03. Review status: criteria provided, single submitter. Criteria: Invitae Variant Classification Sherloc (09022015). Collection method: clinical testing. Allele origin: germline.